The following is an entry in ClinVar:

NM_001242896.3(DEPDC5):c.50G>T (p.Gly17Val)

Gene: DEPDC5 (DEP domain containing 5, GATOR1 subcomplex subunit; plus strand). Cytogenetic location: 22q12.2.
Variant type: single nucleotide variant.
Coding change: c.50G>T on transcript NM_001242896.3 (MANE Select); coding-DNA position 50, G replaced by T.
Protein change: p.Gly17Val; replaces glycine 17 with valine.
Molecular consequence: missense variant. On other transcripts: non-coding transcript variant (5).
Genome position (GRCh38, 1-based): chr22:31,754,971, G>T. VCF-style: chr22-31754971-G-T. GRCh37 (hg19) VCF-style: chr22-32150957-G-T.
Other names: c.50G>T, p.Gly17Val (NM_001007188.4, NM_001136029.4, NM_001242897.2 and 9 more transcripts); short protein forms G17V.
Identifiers: ClinVar variation 1707904 (VCV001707904.3), dbSNP rs2517655499, ClinGen allele CA411278047.

ClinVar aggregate classification (germline): Uncertain significance (1 of 4 stars; one submission).

Submission:

GeneDx
Classification: Uncertain significance. Last evaluated: 2026-01-29. Review status: criteria provided, single submitter. Criteria: GeneDx Variant Classification Process June 2021. Collection method: clinical testing. Allele origin: germline.
Comment: Not observed at significant frequency in large population cohorts (gnomAD); In silico analysis supports that this missense variant has a deleterious effect on protein structure/function; Has not been previously published as pathogenic or benign to our knowledge